The following is an entry in ClinVar:

NM_022124.6(CDH23):c.882C>A (p.Thr294=)

Gene: CDH23 (cadherin related 23; plus strand). Cytogenetic location: 10q22.1.
Variant type: single nucleotide variant.
Coding change: c.882C>A on transcript NM_022124.6 (MANE Select); coding-DNA position 882, C replaced by A.
Protein change: p.Thr294=; no amino-acid change (threonine 294 retained).
Molecular consequence: synonymous variant.
Genome position (GRCh38, 1-based): chr10:71,615,553, C>A. VCF-style: chr10-71615553-C-A. GRCh37 (hg19) VCF-style: chr10-73375310-C-A.
Other names: c.882C>A, p.Thr294= (NM_001171930.2, NM_001171931.2, NM_001171932.2 and 1 more transcripts); c.882C>A (NM_022124.5).
Identifiers: ClinVar variation 1534024 (VCV001534024.9), dbSNP rs752615081, ClinGen allele CA470056798.

ClinVar aggregate classification (germline): Likely benign. Review status: criteria provided, multiple submitters, no conflicts (2 of 4 stars). 2 submissions from 2 submitters: Likely benign (2). Last evaluated 2026-06-22.

Conditions:
CDH23-related disorder. Also called: CDH23-related condition; CDH23-related disorders.

gnomAD v4.1: 2 of 1,613,962 alleles (0.00012%); highest among the groups gnomAD compares: African/African-American, 0.0013%; no homozygotes.

Submissions (2):

PreventionGenetics, part of Exact Sciences
Classification: Likely benign for CDH23-related condition. Last evaluated: 2026-06-22. Review status: criteria provided, single submitter. Criteria: ACMG Guidelines, 2015. Collection method: clinical testing. Allele origin: germline.
Comment: This variant is classified as likely benign based on ACMG/AMP sequence variant interpretation guidelines (Richards et al. 2015 PMID: 25741868, with internal and published modifications).

Labcorp Genetics (formerly Invitae), Labcorp
Classification: Likely benign. Last evaluated: 2023-12-19. Review status: criteria provided, single submitter. Criteria: Invitae Variant Classification Sherloc (09022015). Collection method: clinical testing. Allele origin: germline.